The following is an entry in ClinVar:

ClinVar aggregate classification (germline): Uncertain significance (1 of 4 stars; one submission).

Conditions:
KSR2-related disorder. Also called: KSR2-related condition.

Allele frequency attached by ClinVar (database versions not stated): gnomAD 0.00001; gnomAD exomes 0.00002; TOPMed 0.00002; ExAC 0.00003.
gnomAD v4.1: 30 of 1,613,786 alleles (0.0019%); highest among the groups gnomAD compares: Non-Finnish European, 0.0024%; no homozygotes.

Submission:

PreventionGenetics, part of Exact Sciences
Classification: Uncertain significance for KSR2-related condition. Last evaluated: 2026-03-06. Review status: criteria provided, single submitter. Criteria: ACMG Guidelines, 2015. Collection method: clinical testing. Allele origin: germline.
Comment: The KSR2 c.2050G>A variant is predicted to result in the amino acid substitution p.Ala684Thr. To our knowledge, this variant has not been reported in the literature. This variant is reported in 0.0053% of alleles in individuals of European (Non-Finnish) descent in gnomAD. At this time, the clinical significance of this variant is uncertain due to the absence of conclusive functional and genetic evidence.

NM_173598.6(KSR2):c.2137G>A (p.Ala713Thr)

Gene: KSR2 (kinase suppressor of ras 2; minus strand). Cytogenetic location: 12q24.22.
Variant type: single nucleotide variant.
Coding change: c.2137G>A on transcript NM_173598.6 (MANE Select); coding-DNA position 2137, G replaced by A.
Protein change: p.Ala713Thr; replaces alanine 713 with threonine.
Molecular consequence: missense variant.
Genome position (GRCh38, 1-based): chr12:117,524,934, C>T on the plus strand (G>A on the coding strand, the complement: KSR2 is on the minus strand). VCF-style: chr12-117524934-C-T. GRCh37 (hg19) VCF-style: chr12-117962739-C-T.
Other names: short protein forms A713T.
Identifiers: ClinVar variation 2635949 (VCV002635949.3), dbSNP rs758655066, ClinGen allele CA6815818.